The following is an entry in ClinVar:

NM_015040.4(PIKFYVE):c.4870A>G (p.Met1624Val)

Gene: PIKFYVE (phosphoinositide kinase, FYVE-type zinc finger containing; plus strand). Cytogenetic location: 2q34.
Variant type: single nucleotide variant.
Coding change: c.4870A>G on transcript NM_015040.4 (MANE Select); coding-DNA position 4870, A replaced by G.
Protein change: p.Met1624Val; replaces methionine 1624 with valine.
Molecular consequence: missense variant.
Genome position (GRCh38, 1-based): chr2:208,340,070, A>G. VCF-style: chr2-208340070-A-G. GRCh37 (hg19) VCF-style: chr2-209204794-A-G.
Other names: short protein forms M1624V.
Identifiers: ClinVar variation 3039931 (VCV003039931.2), dbSNP rs199929403, ClinGen allele CA2080471.
Genomic context (GRCh38, chr2:208,340,070, plus strand): 5'-GATGTGTTTGATGGGCATTTGCTGGGATCCACAGACAGCCAAGTGAAGGAAAAGTCAACC[A>G]TGAAAGCCATCTTTGCAAATTTGCTTCCAGGAAATAGCTATAATCCTATTCCATTTCCTT-3'
Protein context (NP_055855.2, residues 1614-1634): TDSQVKEKST[Met1624Val]KAIFANLLPG

ClinVar aggregate classification (germline): Benign (0 of 4 stars; one submission).

Conditions:
PIKFYVE-related disorder. Also called: PIKFYVE-related condition.

Allele frequency attached by ClinVar (database versions not stated): TOPMed 0.00020; ESP Exome Variant Server 0.00023; gnomAD 0.00035; 1000 Genomes Project 30x 0.00047; 1000 Genomes Project 0.00060; gnomAD exomes 0.00067; ExAC 0.00091.

Submission:

PreventionGenetics, part of Exact Sciences
Classification: Benign for PIKFYVE-related condition. Last evaluated: 2019-09-30. Review status: no assertion criteria provided. Collection method: clinical testing. Allele origin: germline.
Comment: This variant is classified as benign based on ACMG/AMP sequence variant interpretation guidelines (Richards et al. 2015 PMID: 25741868, with internal and published modifications).